The following is an entry in ClinVar:

ClinVar aggregate classification (germline): Uncertain significance. Review status: criteria provided, multiple submitters, no conflicts (2 of 4 stars). 2 submissions from 2 submitters: Uncertain significance (2). Last evaluated 2025-10-11.

Conditions:
RASopathy. Also called: rasopathies; Noonan spectrum disorder. Identifiers: Orphanet 536391, MedGen C5555857, MONDO:0021060.
Cardiovascular phenotype. Identifiers: MedGen CN230736.

Allele frequency attached by ClinVar (database versions not stated): gnomAD exomes below 0.00001; ExAC 0.00001; gnomAD 0.00001; TOPMed 0.00001.
gnomAD v4.1: 3 of 1,614,068 alleles (0.00019%); highest among the groups gnomAD compares: African/African-American, 0.0027%; no homozygotes.

Submissions (2):

Ambry Genetics
Classification: Uncertain significance for Cardiovascular phenotype. Last evaluated: 2025-10-11. Review status: criteria provided, single submitter. Criteria: Ambry Variant Classification Scheme 2023. Collection method: clinical testing. Allele origin: germline.
Comment: The p.W8S variant (also known as c.23G>C), located in coding exon 1 of the RAF1 gene, results from a G to C substitution at nucleotide position 23. The tryptophan at codon 8 is replaced by serine, an amino acid with highly dissimilar properties. This amino acid position is well conserved in available vertebrate species; however, serine is the reference amino acid in other vertebrate species. In addition, the in silico prediction for this alteration is inconclusive. Since supporting evidence is limited at this time, the clinical significance of this alteration remains unclear.

Labcorp Genetics (formerly Invitae), Labcorp
Classification: Uncertain significance for RASopathy. Last evaluated: 2025-07-08. Review status: criteria provided, single submitter. Criteria: Invitae Variant Classification Sherloc (09022015). Collection method: clinical testing. Allele origin: germline.
Comment: This sequence change replaces tryptophan, which is neutral and slightly polar, with serine, which is neutral and polar, at codon 8 of the RAF1 protein (p.Trp8Ser). This variant is present in population databases (rs780550449, gnomAD 0.007%). This variant has not been reported in the literature in individuals affected with RAF1-related conditions. ClinVar contains an entry for this variant (Variation ID: 962838). Invitae Evidence Modeling of protein sequence and biophysical properties (such as structural, functional, and spatial information, amino acid conservation, physicochemical variation, residue mobility, and thermodynamic stability) indicates that this missense variant is expected to disrupt RAF1 protein function with a positive predictive value of 80%. In summary, the available evidence is currently insufficient to determine the role of this variant in disease. Therefore, it has been classified as a Variant of Uncertain Significance.

NM_002880.4(RAF1):c.23G>C (p.Trp8Ser)

Gene: RAF1 (Raf-1 proto-oncogene, serine/threonine kinase; minus strand). Cytogenetic location: 3p25.2.
Variant type: single nucleotide variant.
Coding change: c.23G>C on transcript NM_002880.4 (MANE Select); coding-DNA position 23, G replaced by C.
Protein change: p.Trp8Ser; replaces tryptophan 8 with serine.
Molecular consequence: missense variant. On other transcripts: 5 prime UTR variant (4), non-coding transcript variant (3).
Genome position (GRCh38, 1-based): chr3:12,618,699, C>G on the plus strand (G>C on the coding strand, the complement: RAF1 is on the minus strand). VCF-style: chr3-12618699-C-G. GRCh37 (hg19) VCF-style: chr3-12660198-C-G.
Other names: c.23G>C, p.Trp8Ser (NM_001354689.3, NM_001354690.3, NM_001354693.3); c.-108G>C (NM_001354691.3, NM_001354692.3, NM_001354694.3 and 1 more transcripts); short protein forms W8S.
Identifiers: ClinVar variation 962838 (VCV000962838.12), dbSNP rs780550449, ClinGen allele CA2259852.